The following is an entry in ClinVar:

NM_000093.5(COL5A1):c.5340dup (p.Tyr1781fs)

Genes: COL5A1 (collagen type V alpha 1 chain; plus strand), LOC101448202 (uncharacterized LOC101448202; minus strand). Cytogenetic location: 9q34.3.
Variant type: Duplication.
Coding change: c.5340dup on transcript NM_000093.5 (MANE Select); coding-DNA position 5340, one base duplicated (C; older notation c.5340dupC).
Protein change: p.Tyr1781fs; shifts the reading frame from tyrosine 1781.
Molecular consequence: frameshift variant.
Genome position (GRCh38, 1-based): chr9:134,835,174, C duplicated; the last of 4 consecutive C bases (chr9:134,835,171-134,835,174); duplicating any one gives the same sequence. VCF-style (leftmost placement, unchanged base first): chr9-134835170-A-AC. GRCh37 (hg19) VCF-style: chr9-137727016-A-AC.
Other names: c.5340dup, p.Tyr1781fs (NM_001278074.1); short protein forms Y1781fs.
Identifiers: ClinVar variation 1069626 (VCV001069626.10), dbSNP rs2132926166, ClinGen allele CA2499219768.

ClinVar aggregate classification (germline): Pathogenic (1 of 4 stars; one submission).

Conditions:
Ehlers-Danlos syndrome, classic type, 1 (EDSCL1). Also called: EHLERS-DANLOS SYNDROME, GRAVIS TYPE; EHLERS-DANLOS SYNDROME, SEVERE CLASSIC TYPE; EDS I; Ehlers-Danlos Syndrome, Classic Type, COL5A1-Related; Ehlers-Danlos syndrome, type 1. Identifiers: MedGen C0268335, MONDO:0019567, OMIM 130000.

Submission:

Labcorp Genetics (formerly Invitae), Labcorp
Classification: Pathogenic for Ehlers-Danlos syndrome, classic type, 1. Last evaluated: 2020-03-09. Review status: criteria provided, single submitter. Criteria: Invitae Variant Classification Sherloc (09022015). Collection method: clinical testing. Allele origin: germline.
Comment: This sequence change results in a premature translational stop signal in the COL5A1 gene (p.Tyr1781Leufs*39). While this is not anticipated to result in nonsense mediated decay, it is expected to disrupt the last 58 amino acids of the COL5A1 protein. This variant is not present in population databases (ExAC no frequency). This variant has not been reported in the literature in individuals with COL5A1-related conditions. For these reasons, this variant has been classified as Pathogenic. This variant disrupts the C-terminus of the COL5A1 protein. Other variant(s) that disrupt this region (p.Phe1820Argfs*2) have been determined to be pathogenic (PMID: 23587214). This suggests that variants that disrupt this region of the protein are likely to be causative of disease.

Literature cited by the submitters: PubMed 23587214.